The following is an entry in ClinVar:

ClinVar aggregate classification (germline): Uncertain significance (1 of 4 stars; one submission).

Allele frequency attached by ClinVar (database versions not stated): gnomAD 0.00003; TOPMed 0.00003.

Submission:

Ambry Genetics
Classification: Uncertain significance. Last evaluated: 2023-06-17. Review status: criteria provided, single submitter. Criteria: Ambry Variant Classification Scheme 2023. Collection method: clinical testing. Allele origin: germline.
Comment: The p.R137W variant (also known as c.409C>T), located in coding exon 3 of the POLQ gene, results from a C to T substitution at nucleotide position 409. The arginine at codon 137 is replaced by tryptophan, an amino acid with dissimilar properties. This amino acid position is conserved. In addition, this alteration is predicted to be tolerated by in silico analysis. Since supporting evidence is limited at this time, the clinical significance of this alteration remains unclear.

NM_199420.4(POLQ):c.409C>T (p.Arg137Trp)

Gene: POLQ (DNA polymerase theta; minus strand). Cytogenetic location: 3q13.33.
Variant type: single nucleotide variant.
Coding change: c.409C>T on transcript NM_199420.4 (MANE Select); coding-DNA position 409, C replaced by T.
Protein change: p.Arg137Trp; replaces arginine 137 with tryptophan.
Molecular consequence: missense variant.
Genome position (GRCh38, 1-based): chr3:121,541,414, G>A on the plus strand (C>T on the coding strand, the complement: POLQ is on the minus strand). VCF-style: chr3-121541414-G-A. GRCh37 (hg19) VCF-style: chr3-121260261-G-A.
Other names: short protein forms R137W.
Identifiers: ClinVar variation 1737806 (VCV001737806.3), dbSNP rs759231797, ClinGen allele CA2563822.